The following is an entry in ClinVar:

NM_001378454.1(ALMS1):c.9616A>G (p.Thr3206Ala)

Gene: ALMS1 (ALMS1 centrosome and basal body associated protein; plus strand). Cytogenetic location: 2p13.1.
Variant type: single nucleotide variant.
Coding change: c.9616A>G on transcript NM_001378454.1 (MANE Select); coding-DNA position 9616, A replaced by G.
Protein change: p.Thr3206Ala; replaces threonine 3206 with alanine.
Molecular consequence: missense variant.
Genome position (GRCh38, 1-based): chr2:73,519,851, A>G. VCF-style: chr2-73519851-A-G. GRCh37 (hg19) VCF-style: chr2-73746978-A-G.
Other names: c.9619A>G, p.Thr3207Ala (NM_015120.4); short protein forms T3207A, T3206A.
Identifiers: ClinVar variation 235672 (VCV000235672.7), dbSNP rs878853092, ClinGen allele CA10581396.

ClinVar aggregate classification (germline): Uncertain significance. Review status: criteria provided, multiple submitters, no conflicts (2 of 4 stars). 3 submissions from 3 submitters: Uncertain significance (3). Last evaluated 2025-06-27.

Conditions:
Cardiovascular phenotype. Identifiers: MedGen CN230736.
Alstrom syndrome (ALMS). Identifiers: Orphanet 64, MedGen C0268425, MONDO:0008763, OMIM 203800.

Allele frequency attached by ClinVar (database versions not stated): gnomAD exomes below 0.00001.
gnomAD v4.1: 3 of 1,614,064 alleles (0.00019%); highest among the groups gnomAD compares: African/African-American, 0.004%; no homozygotes.

Submissions (3):

Labcorp Genetics (formerly Invitae), Labcorp
Classification: Uncertain significance for Alstrom syndrome. Last evaluated: 2025-06-27. Review status: criteria provided, single submitter. Criteria: Invitae Variant Classification Sherloc (09022015). Collection method: clinical testing. Allele origin: germline.
Comment: This sequence change replaces threonine, which is neutral and polar, with alanine, which is neutral and non-polar, at codon 3207 of the ALMS1 protein (p.Thr3207Ala). This variant is present in population databases (no rsID available, gnomAD 0.007%). This variant has not been reported in the literature in individuals affected with ALMS1-related conditions. ClinVar contains an entry for this variant (Variation ID: 235672). Experimental studies and prediction algorithms are not available or were not evaluated, and the functional significance of this variant is currently unknown. In summary, the available evidence is currently insufficient to determine the role of this variant in disease. Therefore, it has been classified as a Variant of Uncertain Significance.

Ambry Genetics
Classification: Uncertain significance for Cardiovascular phenotype. Last evaluated: 2023-09-06. Review status: criteria provided, single submitter. Criteria: Ambry Variant Classification Scheme 2023. Collection method: clinical testing. Allele origin: germline.
Comment: The p.T3207A variant (also known as c.9619A>G), located in coding exon 11 of the ALMS1 gene, results from an A to G substitution at nucleotide position 9619. The threonine at codon 3207 is replaced by alanine, an amino acid with similar properties. This amino acid position is highly conserved in available vertebrate species. In addition, the in silico prediction for this alteration is inconclusive. Since supporting evidence is limited at this time, the clinical significance of this alteration remains unclear.

Center for Pediatric Genomic Medicine, Children's Mercy Hospital and Clinics
Classification: Uncertain significance. Last evaluated: 2016-01-11. Review status: criteria provided, single submitter. Criteria: ACMG Guidelines, 2015. Collection method: clinical testing. Allele origin: germline.
ClinVar note: Converted during submission from Uncertain Significance to Uncertain significance.